The following is an entry in ClinVar:

ClinVar aggregate classification (germline): Uncertain significance (1 of 4 stars; one submission).

Allele frequency attached by ClinVar (database versions not stated): gnomAD exomes below 0.00001; TOPMed below 0.00001; gnomAD 0.00001.
gnomAD v4.1: 2 of 1,569,282 alleles (0.00013%); highest among the groups gnomAD compares: Admixed American, 0.0038%; no homozygotes.

Submission:

Labcorp Genetics (formerly Invitae), Labcorp
Classification: Uncertain significance. Last evaluated: 2022-11-20. Review status: criteria provided, single submitter. Criteria: Invitae Variant Classification Sherloc (09022015). Collection method: clinical testing. Allele origin: germline.
Comment: This sequence change falls in intron 30 of the SPTBN2 gene. It does not directly change the encoded amino acid sequence of the SPTBN2 protein. This variant is present in population databases (rs748586693, gnomAD 0.004%). This variant has not been reported in the literature in individuals affected with SPTBN2-related conditions. Algorithms developed to predict the effect of sequence changes on RNA splicing suggest that this variant may disrupt the consensus splice site. In summary, the available evidence is currently insufficient to determine the role of this variant in disease. Therefore, it has been classified as a Variant of Uncertain Significance.

NM_006946.4(SPTBN2):c.6232-14G>T

Gene: SPTBN2 (spectrin beta, non-erythrocytic 2; minus strand). Cytogenetic location: 11q13.2.
Variant type: single nucleotide variant.
Coding change: c.6232-14G>T on transcript NM_006946.4 (MANE Select); 14 bases into the intron before coding-DNA position 6232, G replaced by T.
Molecular consequence: intron variant.
Genome position (GRCh38, 1-based): chr11:66,688,325, C>A on the plus strand (G>T on the coding strand, the complement: SPTBN2 is on the minus strand). VCF-style: chr11-66688325-C-A. GRCh37 (hg19) VCF-style: chr11-66455796-C-A.
Other names: c.6253-14G>T (NM_001411025.1).
Identifiers: ClinVar variation 2977020 (VCV002977020.3), dbSNP rs748586693, ClinGen allele CA6128011.
Genomic context (GRCh38, chr11:66,688,325, plus strand): 5'-TCCTCCTCCTCCCTCTTTCTCTTTCGCTCCTTCTCCCGCTCCTCTAGCTGTCAAAAAATG[C>A]TGCATTCAGCGTGTAGAAGGTTGCGTGTAAGAGGGCCAGGGAAACAGGGAGAGCTGAAAT-3'